The following is an entry in ClinVar:

NM_002180.3(IGHMBP2):c.426T>A (p.Asp142Glu)

Gene: IGHMBP2 (immunoglobulin mu DNA binding protein 2; plus strand). Cytogenetic location: 11q13.3.
Variant type: single nucleotide variant.
Coding change: c.426T>A on transcript NM_002180.3 (MANE Select); coding-DNA position 426, T replaced by A.
Protein change: p.Asp142Glu; replaces aspartic acid 142 with glutamic acid.
Molecular consequence: missense variant.
Genome position (GRCh38, 1-based): chr11:68,908,314, T>A. VCF-style: chr11-68908314-T-A. GRCh37 (hg19) VCF-style: chr11-68675782-T-A.
Other names: short protein forms D142E.
Identifiers: ClinVar variation 4790862 (VCV004790862.1).

ClinVar aggregate classification (germline): Uncertain significance (1 of 4 stars; one submission).

Conditions:
Charcot-Marie-Tooth disease axonal type 2S. Also called: CHARCOT-MARIE-TOOTH NEUROPATHY, TYPE 2S; CHARCOT-MARIE-TOOTH DISEASE, AXONAL, AUTOSOMAL RECESSIVE, TYPE 2S. Identifiers: Orphanet 443073, MedGen C4015349, MONDO:0014511, OMIM 616155.
Autosomal recessive distal spinal muscular atrophy 1. Also called: NEURONOPATHY, DISTAL HEREDITARY MOTOR, HARDING TYPE VI; NEUROPATHY, DISTAL HEREDITARY MOTOR, AUTOSOMAL RECESSIVE 1; HMN VI; NEURONOPATHY, SEVERE INFANTILE AXONAL, WITH RESPIRATORY FAILURE; SEVERE INFANTILE AXONAL NEUROPATHY WITH RESPIRATORY FAILURE; SPINAL MUSCULAR ATROPHY, DIAPHRAGMATIC. Identifiers: Orphanet 98920, MedGen C1858517, MONDO:0011436, OMIM 604320.

gnomAD v4.1: 27 of 1,614,000 alleles (0.0017%); highest among the groups gnomAD compares: Non-Finnish European, 0.001%; no homozygotes.

Submission:

Labcorp Genetics (formerly Invitae), Labcorp
Classification: Uncertain significance for Autosomal recessive distal spinal muscular atrophy 1; Charcot-Marie-Tooth disease axonal type 2S. Last evaluated: 2026-02-01. Review status: criteria provided, single submitter. Criteria: Invitae Variant Classification Sherloc (09022015). Collection method: clinical testing. Allele origin: germline.
Comment: This sequence change replaces aspartic acid, which is acidic and polar, with glutamic acid, which is acidic and polar, at codon 142 of the IGHMBP2 protein (p.Asp142Glu). This variant is present in population databases (rs753728312, gnomAD 0.02%). This variant has not been reported in the literature in individuals affected with IGHMBP2-related conditions. Invitae Evidence Modeling of protein sequence and biophysical properties (such as structural, functional, and spatial information, amino acid conservation, physicochemical variation, residue mobility, and thermodynamic stability) indicates that this missense variant is not expected to disrupt IGHMBP2 protein function with a negative predictive value of 95%. In summary, the available evidence is currently insufficient to determine the role of this variant in disease. Therefore, it has been classified as a Variant of Uncertain Significance.